The following is an entry in ClinVar:

ClinVar aggregate classification (germline): Likely pathogenic. Review status: reviewed by expert panel (3 of 4 stars). 7 submissions from 7 submitters: Likely pathogenic (1). 6 of the submissions do not count toward it. Last evaluated 2024-02-22.

Conditions:
Marfan syndrome (MFS). Also called: MARFAN SYNDROME, TYPE I; FBN1-Related Marfan Syndrome; Marfan syndrome, classic; Marfan syndrome type 1; Marfan's syndrome. Identifiers: Orphanet 284963, Orphanet 558, MedGen C0024796, MONDO:0007947, OMIM 154700.
Familial thoracic aortic aneurysm and aortic dissection (TAAD). Also called: Thoracic aortic aneurysms and dissections. Identifiers: Orphanet 91387, MedGen C4707243, MONDO:0019625.

Submissions (7):

ClinGen FBN1 Variant Curation Expert Panel, ClinGen
Classification: Likely pathogenic for Marfan syndrome. Last evaluated: 2024-02-22. Review status: reviewed by expert panel. Criteria: Assertion Criteria VCEP FBN1 Version 1. Collection method: curation. Allele origin: germline. Inheritance: Autosomal dominant inheritance.
Comment: The NM_00138 c.6032G>A is a missense variant in FBN1 predicted to cause a substitution of a cysteine by tyrosine at amino acid 2011 (p.Cys2011Tyr). This variant has been reported four times in ClinVar: once as pathogenic, twice as likely pathogenic, and once as uncertain significance (Variation ID: 263898). At least two probands with clinical features of Marfan syndrome carry the same variant (internal lab data, PS4_Sup). This variant is not present in gnomAD (PM2_sup). This variant affects a cysteine residue in a calcium binding EGF-like domain. Cysteine residues in these domains are believed to be involved in the formation of disulfide bridges which are essential for the protein structure (PM1_strong). Other missense variants disrupting the Cysteine at this position, (i.e. p.Cys2011Arg and p.Cys2011Ser), have been reported in individuals with features of Marfan syndrome (PMID 29907982, 31163209). Computational prediction tools and conservation analysis suggest that this variant may impact the protein (REVEL: 0.921, PP3). The constraint z-score for missense variants affecting FBN1 is 5.06 (PP2). In summary, this variant meets criteria to be classified as likely pathogenic for Marfan syndrome based on the ACMG/AMP criteria applied, as specified by the ClinGen FBN1 VCEP: PM1_Strong, PS4_Sup, PM2_Sup, PP2, PP3

GeneDx
Classification: Likely pathogenic. Last evaluated: 2026-07-08. Review status: criteria provided, single submitter. Criteria: GeneDx Variant Classification Process June 2021. Collection method: clinical testing. Allele origin: germline. Not counted in ClinVar's aggregate classification.
Comment: Has not been previously published as pathogenic or benign to our knowledge; Not observed at significant frequency in large population cohorts (gnomAD); In silico analysis supports that this missense variant has a deleterious effect on protein structure/function; Affects a cysteine residue within a calcium-binding EGF-like domain of the FBN1 gene, which may affect disulfide bonding and is predicted to alter the structure and function of the protein; cysteine substitutions in the calcium-binding EGF-like domains represent the majority of pathogenic missense changes associated with FBN1-related disorders (PMID: 12938084); This variant is associated with the following publications: (PMID: 12938084)

Labcorp Genetics (formerly Invitae), Labcorp
Classification: Pathogenic for Marfan syndrome; Familial thoracic aortic aneurysm and aortic dissection. Last evaluated: 2025-12-06. Review status: criteria provided, single submitter. Criteria: Invitae Variant Classification Sherloc (09022015). Collection method: clinical testing. Allele origin: germline. Not counted in ClinVar's aggregate classification.
Comment: This sequence change replaces cysteine, which is neutral and slightly polar, with tyrosine, which is neutral and polar, at codon 2011 of the FBN1 protein (p.Cys2011Tyr). This variant is not present in population databases (gnomAD no frequency). This missense change has been observed in individual(s) with Marfan syndrome (external communication). ClinVar contains an entry for this variant (Variation ID: 263898). Invitae Evidence Modeling of protein sequence and biophysical properties (such as structural, functional, and spatial information, amino acid conservation, physicochemical variation, residue mobility, and thermodynamic stability) indicates that this missense variant is expected to disrupt FBN1 protein function with a positive predictive value of 95%. This variant affects a cysteine residue in the EGF-like, TGFBP or hybrid motif domains of FBN1. Cysteine residues are believed to be involved in intramolecular disulfide bridges and have been shown to be important for FBN1 protein structure (PMID: 16905551, 19349279). In addition, missense substitutions affecting cysteine residues within these domains are significantly overrepresented among patients with Marfan syndrome (PMID: 16571647, 17701892). This variant disrupts the p.Cys2011 amino acid residue in FBN1. Other variant(s) that disrupt this residue have been observed in individuals with FBN1-related conditions (PMID: 29907982, 31163209; internal data), which suggests that this may be a clinically significant amino acid residue. For these reasons, this variant has been classified as Pathogenic.

Color Diagnostics, LLC DBA Color Health
Classification: Likely pathogenic for Familial thoracic aortic aneurysm and aortic dissection. Last evaluated: 2024-10-08. Review status: criteria provided, single submitter. Criteria: ACMG Guidelines, 2015. Collection method: clinical testing. Allele origin: germline. Not counted in ClinVar's aggregate classification.
Comment: This variant affects a cysteine residue located within a calcium-binding EGF-like domain of the FBN1 protein. Cysteine residues in cbEGF-like domains are involved in the formation of disulfide bridges, which are critical for FBN1 protein structure and stability (PMID: 4750422, 16677079). Computational prediction suggests that this variant may have deleterious impact on protein structure and function. To our knowledge, functional studies have not been reported for this variant. This variant has been reported in individuals affected with features of Marfan syndrome (ClinVar SCV004704626.1). This variant has not been identified in the general population by the Genome Aggregation Database (gnomAD). Based on the available evidence, this variant is classified as Likely Pathogenic.

All of Us Research Program, National Institutes of Health
Classification: Likely pathogenic for Marfan syndrome. Last evaluated: 2024-07-23. Review status: criteria provided, single submitter. Criteria: ACMG Guidelines, 2015. Collection method: clinical testing. Allele origin: germline. Inheritance: Autosomal dominant inheritance. Observed: 1 variant allele, 1 heterozygote. Not counted in ClinVar's aggregate classification.
Comment: This variant has been observed in multiple individuals with Marfan syndrome (ClinVar Accession: SCV004704626.1). It is absent from large population databases, including the Genome Aggregation Database. In silico analysis predicts that this variant is deleterious. This missense substitution occurs at an amino acid position that is critical to protein structure and function. Other missense substitutions at this amino acid residue have been previously reported in individuals with Marfan syndrome (ClinVar variant IDs: 1366927, 982359), which supports the functional importance of this position.

This study involves interpretation of variants in research participants for the purpose of population health screening. Participant phenotype was not available at the time of variant classification. Additional details can be found in publication PMID: 35346344, PMCID: PMC8962531

Women's Health and Genetics/Laboratory Corporation of America, LabCorp
Classification: Uncertain significance. Last evaluated: 2020-09-16. Review status: criteria provided, single submitter. Criteria: LabCorp Variant Classification Summary - May 2015. Collection method: clinical testing. Allele origin: germline. Not counted in ClinVar's aggregate classification.
Comment: Variant summary: FBN1 c.6032G>A (p.Cys2011Tyr) results in a non-conservative amino acid change located in the EGF-like calcium-binding domain (IPR001881) of the encoded protein sequence. Five of five in-silico tools predict a damaging effect of the variant on protein function. The variant was absent in 251146 control chromosomes (gnomAD). To our knowledge, no occurrence of c.6032G>A in individuals affected with Marfan Syndrome and no experimental evidence demonstrating its impact on protein function have been reported. However, missense mutations affecting or creating cysteine residues or located within the conserved resides of the EGF consensus sequence are listed among the criteria for a causal FBN1 mutation when identified as de-novo (with proven paternity) in the revised Ghent criteria for the diagnosis of Marfan and related conditions (Loeys, BL et al, 2010). Two ClinVar submitters (evaluation after 2014) cite the variant as likely pathogenic. Based on the evidence outlined above, the variant was classified as VUS-possibly pathogenic.

Ambry Genetics
Classification: Likely pathogenic for Familial thoracic aortic aneurysm and aortic dissection. Last evaluated: 2015-03-19. Review status: criteria provided, single submitter. Criteria: Ambry General Variant Classification Scheme_2022. Collection method: clinical testing. Allele origin: germline. Observed: 1 variant allele. Not counted in ClinVar's aggregate classification.
Comment: The p.C2011Y variant (also known as c.6032G>A), located in coding exon 48 of the FBN1 gene, results from a G to A substitution at nucleotide position 6032. The cysteine at codon 2011 is replaced by tyrosine, an amino acid with highly dissimilar properties, and is located in the cbEGF-like #30 domain. The majority of FBN1 mutations identified to date have involved the substitution or generation of cysteine residues within cbEGF domains (Vollbrandt T et al. J Biol Chem. 2004;279(31):32924-32931). Internal structural analysis indicates that this alteration eliminates a structurally critical disulfide in the structurally sensitive cbEGF domain #30 (Ambry internal data). A likely pathogenic alteration, p.C2011R, has been described in the same codon (Overwater E et al. Hum. Mutat., 2018 Sep;39:1173-1192). This amino acid position is highly conserved in available vertebrate species. In addition, this alteration is predicted to be deleterious by in silico analysis. Based on the majority of available evidence to date, this variant is likely to be pathogenic.

Literature cited by the submitters: PubMed 16905551 (cited by Labcorp Genetics (formerly Invitae), Labcorp); PubMed 19349279 (cited by Labcorp Genetics (formerly Invitae), Labcorp); PubMed 16571647 (cited by Labcorp Genetics (formerly Invitae), Labcorp); PubMed 17701892 (cited by Labcorp Genetics (formerly Invitae), Labcorp); PubMed 29907982 (cited by Labcorp Genetics (formerly Invitae), Labcorp); PubMed 31163209 (cited by Labcorp Genetics (formerly Invitae), Labcorp); PubMed 4750422 (cited by Color Diagnostics, LLC DBA Color Health); PubMed 16677079 (cited by Color Diagnostics, LLC DBA Color Health); PubMed 21895641 (cited by Ambry Genetics).

NM_000138.5(FBN1):c.6032G>A (p.Cys2011Tyr)

Gene: FBN1 (fibrillin 1; minus strand). Cytogenetic location: 15q21.1.
Variant type: single nucleotide variant.
Coding change: c.6032G>A on transcript NM_000138.5 (MANE Select); coding-DNA position 6032, G replaced by A.
Protein change: p.Cys2011Tyr; replaces cysteine 2011 with tyrosine.
Molecular consequence: missense variant.
Genome position (GRCh38, 1-based): chr15:48,444,546, C>T on the plus strand (G>A on the coding strand, the complement: FBN1 is on the minus strand). VCF-style: chr15-48444546-C-T. GRCh37 (hg19) VCF-style: chr15-48736743-C-T.
Other names: NM_000138.5(FBN1):c.6032G>A; p.Cys2011Tyr; short protein forms C2011Y.
Identifiers: ClinVar variation 263898 (VCV000263898.19), dbSNP rs886038967, ClinGen allele CA10587803.